The following is an entry in ClinVar:

ClinVar aggregate classification (germline): Uncertain significance (1 of 4 stars; one submission).

Submission:

GeneDx
Classification: Uncertain significance. Last evaluated: 2024-08-10. Review status: criteria provided, single submitter. Criteria: GeneDx Variant Classification Process June 2021. Collection method: clinical testing. Allele origin: germline. Affected: yes.
Comment: Not observed at significant frequency in large population cohorts (gnomAD); In silico analysis indicates that this missense variant does not alter protein structure/function; Has not been previously published as pathogenic or benign to our knowledge

NM_015100.4(POGZ):c.455C>T (p.Thr152Met)

Gene: POGZ (pogo transposable element derived with ZNF domain; minus strand). Cytogenetic location: 1q21.3.
Variant type: single nucleotide variant.
Coding change: c.455C>T on transcript NM_015100.4 (MANE Select); coding-DNA position 455, C replaced by T.
Protein change: p.Thr152Met; replaces threonine 152 with methionine.
Molecular consequence: missense variant. On other transcripts: intron variant (1).
Genome position (GRCh38, 1-based): chr1:151,430,670, G>A on the plus strand (C>T on the coding strand, the complement: POGZ is on the minus strand). VCF-style: chr1-151430670-G-A. GRCh37 (hg19) VCF-style: chr1-151403146-G-A.
Other names: c.455C>T, p.Thr152Met (NM_001194937.2); c.296C>T, p.Thr99Met (NM_001194938.2, NM_207171.2); c.476C>T, p.Thr159Met (NM_001410860.1); c.284-2257C>T (NM_145796.4); short protein forms T152M, T159M, T99M.
Identifiers: ClinVar variation 3764246 (VCV003764246.1).
Genomic context (GRCh38, chr1:151,430,670, plus strand): 5'-AGAGGTTTATAGTCTTTCTCTCCTCTAGCAACCTTGGAATTCAGAGTCCTACTCACCTGC[G>A]TAGTGATAAATATTGGTTGTGAGGCCACAGGGGAACTAGTCACATGATTGGCATTCTGCA-3'
Protein context (NP_055915.2, residues 142-162): PVASQPIFIT[Thr152Met]QGFPVRNVRP